The following is an entry in ClinVar:

ClinVar aggregate classification (germline): Likely pathogenic. Review status: reviewed by expert panel (3 of 4 stars). 3 submissions from 3 submitters: Likely pathogenic (1). 2 of the submissions do not count toward it. Last evaluated 2026-02-06.

Conditions:
Hereditary factor VIII deficiency disease (HEMA). Also called: HEMOPHILIA, CLASSIC; Hemophilia A, congenital; HEM A; Factor 8 deficiency, congenital; AUTOSOMAL HEMOPHILIA A; Hemophilia A. Identifiers: Orphanet 98878, MedGen C0019069, MONDO:0010602, OMIM 306700.

Allele frequency attached by ClinVar (database versions not stated): gnomAD exomes below 0.00001; TOPMed 0.00002.
gnomAD v4.1: 1 of 1,209,006 alleles (0.000083%); no homozygotes.

Submissions (3):

ClinGen Coagulation Factor Deficiency Variant Curation Expert Panel, Clingen
Classification: Likely pathogenic for Hereditary factor VIII deficiency disease. Last evaluated: 2026-02-06. Review status: reviewed by expert panel. Criteria: ClinGen CoagFactor ACMG Specifications F8 V1.0.0. Collection method: curation. Allele origin: germline. Inheritance: X-linked inheritance.
Comment: The NM_000132.4(F8):c.766T>A; p.Tyr256Asn is a missense variant that is absent from gnomAD v2.1.1/gnomAD v3 meeting PM2_Supporting. The variant is predicted to have a deleterious effect with a REVEL score of 0.942, which is greater than the ClinGen CFD threshold for PP3 (>0.6) meeting PP3. This variant has been observed in at least 4 probands in the literature with mild hemophilia A (PP4_Moderate, PMID:29296726; PS4_Moderate, PMID:29296726, 16786531). In summary, this variant meets the criteria to be classified as likely pathogenic for hemophilia A. ACMG/AMP criteria applied, as specified by the Coagulation Factor Deficiency Variant Curation Expert Panel using v1.0.0 rule specifications for F8: PS4_Moderate, PP4_Moderate, PM2_Supporting, PP3.

Women's Health and Genetics/Laboratory Corporation of America, LabCorp
Classification: Uncertain significance. Last evaluated: 2023-08-11. Review status: criteria provided, single submitter. Criteria: LabCorp Variant Classification Summary - May 2015. Collection method: clinical testing. Allele origin: germline. Not counted in ClinVar's aggregate classification.
Comment: Variant summary: F8 c.766T>A (p.Tyr256Asn) results in a non-conservative amino acid change located in the multicopper oxidase, second cupredoxin domain (IPR001117) of the encoded protein sequence. Five of five in-silico tools predict a damaging effect of the variant on protein function. The variant was absent in 183446 control chromosomes (gnomAD). The available data on variant occurrences in the general population are insufficient to allow any conclusion about variant significance. c.766T>A has been reported in the literature in at-least one individual affected with Factor VIII Deficiency (Hemophilia A) (example: Guillet_2006). These data do not allow any conclusion about variant significance. The following publication has been ascertained in the context of this evaluation (PMID: 16786531). One submitter has cited clinical-significance assessments for this variant to ClinVar after 2014 and has classified the variant as pathogenic. Based on the evidence outlined above, the variant was classified as uncertain significance.

ARUP Laboratories, Molecular Genetics and Genomics, ARUP Laboratories
Classification: Pathogenic. Last evaluated: 2018-06-27. Review status: criteria provided, single submitter. Criteria: ARUP Molecular Germline Variant Investigation Process. Collection method: clinical testing. Allele origin: germline. Not counted in ClinVar's aggregate classification.
Comment: The F8 c.766T>A; p.Tyr256Asn variant has been described in the literature and observed at ARUP in individuals with mild hemophilia A (Guillet 2006). It is absent from general population databases (1000 Genomes Project, Exome Variant Server, and Genome Aggregation Database), indicating it is not a common polymorphism. The tyrosine at codon 256 is highly conserved, and computational algorithms (PolyPhen-2, SIFT) predict that this variant is deleterious. Additionally, several nearby variants have been reported in individuals with hemophilia A and are considered pathogenic (see link to F8 database and references therein). Based on available information, this variant is considered pathogenic. References: F8 database: Guillet B et al. Detection of 95 novel mutations in coagulation factor VIII gene F8 responsible for hemophilia A: results from a single institution. Hum Mutat. 2006 Jul;27(7):676-85.

Literature cited by the submitters: PubMed 16786531 (cited by Women's Health and Genetics/Laboratory Corporation of America, LabCorp).

NM_000132.4(F8):c.766T>A (p.Tyr256Asn)

Gene: F8 (coagulation factor VIII; minus strand). Cytogenetic location: Xq28.
Variant type: single nucleotide variant.
Coding change: c.766T>A on transcript NM_000132.4 (MANE Select); coding-DNA position 766, T replaced by A.
Protein change: p.Tyr256Asn; replaces tyrosine 256 with asparagine.
Molecular consequence: missense variant.
Genome position (GRCh38, 1-based): chrX:154,984,708, A>T on the plus strand (T>A on the coding strand, the complement: F8 is on the minus strand). VCF-style: chrX-154984708-A-T. GRCh37 (hg19) VCF-style: chrX-154212983-A-T.
Other names: NM_000132.4(F8):c.766T>A; short protein forms Y256N.
Identifiers: ClinVar variation 618107 (VCV000618107.10), dbSNP rs1569559955, ClinGen allele CA414918961.